The following is an entry in ClinVar:

NM_207111.4(RNF216):c.570A>G (p.Glu190=)

Gene: RNF216 (ring finger protein 216; minus strand). Cytogenetic location: 7p22.1.
Variant type: single nucleotide variant.
Coding change: c.570A>G on transcript NM_207111.4 (MANE Select); coding-DNA position 570, A replaced by G.
Protein change: p.Glu190=; no amino-acid change (glutamic acid 190 retained).
Molecular consequence: synonymous variant.
Genome position (GRCh38, 1-based): chr7:5,741,447, T>C on the plus strand (A>G on the coding strand, the complement: RNF216 is on the minus strand). VCF-style: chr7-5741447-T-C. GRCh37 (hg19) VCF-style: chr7-5781078-T-C.
Other names: c.399A>G, p.Glu133= (NM_001377156.1, NM_207116.3).
Identifiers: ClinVar variation 4822176 (VCV004822176.4).

ClinVar aggregate classification (germline): Likely benign (1 of 4 stars; one submission).

gnomAD v4.1: 70 of 1,614,084 alleles (0.0043%); highest among the groups gnomAD compares: Non-Finnish European, 0.0051%; no homozygotes.

Submission:

CeGaT Center for Human Genetics Tuebingen
Classification: Likely benign. Last evaluated: 2026-02-01. Review status: criteria provided, single submitter. Criteria: CeGaT Center For Human Genetics Tuebingen Variant Classification Criteria Version 2. Collection method: clinical testing. Allele origin: germline. Affected: yes. Observed: 1 variant allele.
Comment: RNF216: BP4, BP7